The following is an entry in ClinVar:

NM_004329.3(BMPR1A):c.850C>T (p.Arg284Cys)

Gene: BMPR1A (bone morphogenetic protein receptor type 1A; plus strand). Cytogenetic location: 10q23.2.
Variant type: single nucleotide variant.
Coding change: c.850C>T on transcript NM_004329.3 (MANE Select); coding-DNA position 850, C replaced by T.
Protein change: p.Arg284Cys; replaces arginine 284 with cysteine.
Molecular consequence: missense variant.
Genome position (GRCh38, 1-based): chr10:86,917,308, C>T. VCF-style: chr10-86917308-C-T. GRCh37 (hg19) VCF-style: chr10-88677065-C-T.
Other names: short protein forms R284C.
Identifiers: ClinVar variation 239869 (VCV000239869.19), dbSNP rs765530074, ClinGen allele CA5585612.
Genomic context (GRCh38, chr10:86,917,308, plus strand): 5'-TTTACCACTGAAGAAGCCAGCTGGTTTCGAGAAACAGAAATCTACCAAACTGTGCTAATG[C>T]GCCATGAAAACATACTTGGTGGGTACACACTGATTCAGTCAATTTCATTTTTGACAAGGC-3'
Protein context (NP_004320.2, residues 274-294): ETEIYQTVLM[Arg284Cys]HENILGFIAA

ClinVar aggregate classification (germline): Uncertain significance. Review status: criteria provided, multiple submitters, no conflicts (2 of 4 stars). 5 submissions from 5 submitters: Uncertain significance (5). Last evaluated 2026-07-16.

Conditions:
Juvenile polyposis syndrome (JPS). Identifiers: Orphanet 2929, MedGen C0345893, MONDO:0017380, OMIM 174900.
Hereditary cancer-predisposing syndrome. Also called: Tumor predisposition; Neoplastic Syndromes, Hereditary; Hereditary Cancer Syndrome; Hereditary neoplastic syndrome. Identifiers: Orphanet 140162, MedGen C0027672, MeSH D009386, MONDO:0015356.

gnomAD v4.1: 1 of 1,614,056 alleles (0.000062%); highest among the groups gnomAD compares: Non-Finnish European, 0.000085%; no homozygotes.

Submissions (5):

Ambry Genetics
Classification: Uncertain significance for Hereditary cancer-predisposing syndrome. Last evaluated: 2026-07-16. Review status: criteria provided, single submitter. Criteria: Ambry Variant Classification Scheme 2023. Collection method: clinical testing. Allele origin: germline.
Comment: The p.R284C variant (also known as c.850C>T), located in coding exon 7 of the BMPR1A gene, results from a C to T substitution at nucleotide position 850. The arginine at codon 284 is replaced by cysteine, an amino acid with highly dissimilar properties. This amino acid position is highly conserved in available vertebrate species. In addition, this alteration is predicted to be deleterious by in silico analysis. Based on the available evidence, the clinical significance of this variant remains unclear.

Labcorp Genetics (formerly Invitae), Labcorp
Classification: Uncertain significance for Juvenile polyposis syndrome. Last evaluated: 2024-05-06. Review status: criteria provided, single submitter. Criteria: Invitae Variant Classification Sherloc (09022015). Collection method: clinical testing. Allele origin: germline.
Comment: This sequence change replaces arginine, which is basic and polar, with cysteine, which is neutral and slightly polar, at codon 284 of the BMPR1A protein (p.Arg284Cys). The frequency data for this variant in the population databases is considered unreliable, as metrics indicate poor data quality at this position in the gnomAD database. This variant has not been reported in the literature in individuals affected with BMPR1A-related conditions. ClinVar contains an entry for this variant (Variation ID: 239869). Advanced modeling performed at Invitae incorporating data from internal and/or published experimental studies (Invitae) indicates that this missense variant is not expected to disrupt BMPR1A function with a negative predictive value of 95%. In summary, the available evidence is currently insufficient to determine the role of this variant in disease. Therefore, it has been classified as a Variant of Uncertain Significance.

Quest Diagnostics Nichols Institute San Juan Capistrano
Classification: Uncertain significance. Last evaluated: 2023-09-29. Review status: criteria provided, single submitter. Criteria: Quest Diagnostics criteria. Collection method: clinical testing. Allele origin: unknown.

All of Us Research Program, National Institutes of Health
Classification: Uncertain significance for Juvenile polyposis syndrome. Last evaluated: 2023-06-15. Review status: criteria provided, single submitter. Criteria: ACMG Guidelines, 2015. Collection method: clinical testing. Allele origin: germline. Inheritance: Autosomal dominant inheritance. Observed: 1 variant allele, 1 heterozygote.
Comment: This study involves interpretation of variants in research participants for the purpose of population health screening. Participant phenotype was not available at the time of variant classification. Additional details can be found in publication PMID: 35346344, PMCID: PMC8962531

Color Diagnostics, LLC DBA Color Health
Classification: Uncertain significance for Hereditary cancer-predisposing syndrome. Last evaluated: 2018-12-02. Review status: criteria provided, single submitter. Criteria: ACMG Guidelines, 2015. Collection method: clinical testing. Allele origin: germline.